The following is an entry in ClinVar:

ClinVar aggregate classification (germline): Benign. Review status: criteria provided, multiple submitters, no conflicts (2 of 4 stars). 12 submissions from 12 submitters: Benign (9). 3 of the submissions do not count toward it. Last evaluated 2026-02-04.

Conditions:
Charcot-Marie-Tooth disease type 2. Also called: Charcot-Marie-Tooth type 2. Identifiers: Orphanet 64746, MedGen C0270914, MONDO:0018993.
Charcot-Marie-Tooth disease axonal type 2N (CMT2N). Also called: Charcot-Marie-Tooth Neuropathy Type 2N; CHARCOT-MARIE-TOOTH DISEASE, AXONAL, AUTOSOMAL DOMINANT, TYPE 2N; CHARCOT-MARIE-TOOTH NEUROPATHY, AXONAL, TYPE 2N. Identifiers: Orphanet 228174, MedGen C2750090, MONDO:0013212, OMIM 613287.

Allele frequency attached by ClinVar (database versions not stated): 1000 Genomes Project 30x 0.42458; 1000 Genomes Project 0.42532; ExAC 0.46592; gnomAD exomes 0.46606; TOPMed 0.47928; gnomAD 0.48623 and 0.49332; ESP Exome Variant Server 0.49077.
gnomAD v4.1: 787,031 of 1,613,790 alleles (49%); highest among the groups gnomAD compares: Non-Finnish European, 50%; 194,400 homozygotes.

Submissions (12):

Labcorp Genetics (formerly Invitae), Labcorp
Classification: Benign for Charcot-Marie-Tooth disease type 2. Last evaluated: 2026-02-04. Review status: criteria provided, single submitter. Criteria: Invitae Variant Classification Sherloc (09022015). Collection method: clinical testing. Allele origin: germline.

ARUP Laboratories, Molecular Genetics and Genomics, ARUP Laboratories
Classification: Benign. Last evaluated: 2025-07-30. Review status: criteria provided, single submitter. Criteria: ARUP Molecular Germline Variant Investigation Process 2024. Collection method: clinical testing. Allele origin: germline.

Blueprint Genetics
Classification: Benign. Last evaluated: 2024-11-27. Review status: criteria provided, single submitter. Criteria: ACMG Guidelines, 2015. Collection method: clinical testing. Allele origin: germline.

Unidad de Genómica Garrahan, Hospital de Pediatría Garrahan
Classification: Benign. Last evaluated: 2024-07-15. Review status: criteria provided, single submitter. Criteria: ACMG Guidelines, 2015. Collection method: clinical testing. Allele origin: germline. Affected: no. Observed: 59 variant alleles.
Comment: This variant is classified as Benign based on local population frequency. This variant was detected in 63% of patients studied in a panel designed for Epileptic and Developmental Encephalopathy and Progressive Myoclonus Epilepsy. Number of patients: 59. Only high quality variants are reported.

Illumina Laboratory Services, Illumina
Classification: Benign for Charcot-Marie-Tooth disease axonal type 2N. Last evaluated: 2018-03-06. Review status: criteria provided, single submitter. Criteria: ICSL Variant Classification Criteria 13 December 2019. Collection method: clinical testing. Allele origin: germline.
Comment: This variant was observed in the ICSL laboratory as part of a predisposition screen in an ostensibly healthy population. It had not been previously curated by ICSL or reported in the Human Gene Mutation Database (HGMD: prior to June 1st, 2018), and was therefore a candidate for classification through an automated scoring system. Utilizing variant allele frequency, disease prevalence and penetrance estimates, and inheritance mode, an automated score was calculated to assess if this variant is too frequent to cause the disease. Based on the score and internal cut-off values, a variant classified as benign is not then subjected to further curation. The score for this variant resulted in a classification of benign for this disease.

Eurofins Ntd Llc (ga)
Classification: Benign. Last evaluated: 2016-06-15. Review status: criteria provided, single submitter. Criteria: EGL Classification Definitions 2015. Collection method: clinical testing. Allele origin: germline. Observed: 1 variant allele, 1 heterozygote.

Mayo Clinic Laboratories, Mayo Clinic
Classification: Benign. Last evaluated: 2015-10-21. Review status: criteria provided, single submitter. Criteria: ACMG Guidelines, 2015. Collection method: clinical testing. Allele origin: germline. Observed: 1,536 variant alleles.

GeneDx
Classification: Benign. Last evaluated: 2015-03-03. Review status: criteria provided, single submitter. Criteria: GeneDx Variant Classification Process June 2021. Collection method: clinical testing. Allele origin: germline. Affected: yes.
Comment: This variant is associated with the following publications: (PMID: 10393914)

Breakthrough Genomics
Classification: Benign. Review status: criteria provided, single submitter. Criteria: ACMG Guidelines, 2015. Collection method: not provided. Allele origin: germline. Inheritance: Autosomal recessive inheritance. Affected: yes.

Inherited Neuropathy Consortium Ii, University Of Miami
Classification: Uncertain significance for Charcot-Marie-Tooth disease axonal type 2N. Last evaluated: 2016-01-06. Review status: no assertion criteria provided. Collection method: literature only. Allele origin: germline. Affected: yes. Not counted in ClinVar's aggregate classification.

Clinical Genetics, Academic Medical Center
Classification: Benign. Review status: no assertion criteria provided. Collection method: clinical testing. Allele origin: germline. Affected: yes. Study: VKGL Data-share Consensus. Not counted in ClinVar's aggregate classification.

Diagnostic Laboratory, Department of Genetics, University Medical Center Groningen
Classification: Benign for Charcot-Marie-Tooth disease axonal type 2N. Review status: no assertion criteria provided. Collection method: clinical testing. Allele origin: germline. Affected: yes. Study: VKGL Data-share Consensus. Not counted in ClinVar's aggregate classification.

Literature cited by the submitters: PubMed 7842019 (cited by Inherited Neuropathy Consortium Ii, University Of Miami).

NM_001605.3(AARS1):c.903C>T (p.His301=)

Gene: AARS1 (alanyl-tRNA synthetase 1; minus strand). Cytogenetic location: 16q22.1.
Variant type: single nucleotide variant.
Coding change: c.903C>T on transcript NM_001605.3 (MANE Select); coding-DNA position 903, C replaced by T.
Protein change: p.His301=; no amino-acid change (histidine 301 retained).
Molecular consequence: synonymous variant.
Genome position (GRCh38, 1-based): chr16:70,269,677, G>A on the plus strand (C>T on the coding strand, the complement: AARS1 is on the minus strand). VCF-style: chr16-70269677-G-A. GRCh37 (hg19) VCF-style: chr16-70303580-G-A.
Other names: p.His301=.
Identifiers: ClinVar variation 287973 (VCV000287973.41), dbSNP rs2070203, ClinGen allele CA8141007.
Genomic context (GRCh38, chr16:70,269,677, plus strand): 5'-CCCACGCCCTGTGTTGTCAGGCCGGCCACCATCAGCCAGTGCCACAGTGATGGTCCGAGC[G>A]TGGTCAGCCAGCACCCGGTAGGCCATGTCAATCCCATCGGCATCCTCAGCACCAACTTTC-3'
Protein context (NP_001596.2, residues 291-311): IDMAYRVLAD[His301=]ARTITVALAD